The following is an entry in ClinVar:

NM_152468.5(TMC8):c.259G>C (p.Gly87Arg)

Genes: TMC6 (transmembrane channel like 6; minus strand), TMC8 (transmembrane channel like 8; plus strand). Cytogenetic location: 17q25.3.
Variant type: single nucleotide variant.
Coding change: c.259G>C on transcript NM_152468.5 (MANE Select); coding-DNA position 259, G replaced by C.
Protein change: p.Gly87Arg; replaces glycine 87 with arginine.
Molecular consequence: missense variant. On other transcripts: intron variant (1).
Genome position (GRCh38, 1-based): chr17:78,131,991, G>C. VCF-style: chr17-78131991-G-C. GRCh37 (hg19) VCF-style: chr17-76128072-G-C.
Other names: c.-75+350C>G (NM_007267.7); short protein forms G87R.
Identifiers: ClinVar variation 1490656 (VCV001490656.8), dbSNP rs1288621413, ClinGen allele CA401240169.

ClinVar aggregate classification (germline): Uncertain significance (1 of 4 stars; one submission).

Conditions:
Epidermodysplasia verruciformis. Identifiers: Orphanet 302, MedGen C0014522, MONDO:0009176.

Allele frequency attached by ClinVar (database versions not stated): TOPMed below 0.00001; gnomAD exomes 0.00001.
gnomAD v4.1: 9 of 1,528,514 alleles (0.00059%); highest among the groups gnomAD compares: Non-Finnish European, 0.00079%; no homozygotes.

Submission:

Labcorp Genetics (formerly Invitae), Labcorp
Classification: Uncertain significance for Epidermodysplasia verruciformis. Last evaluated: 2021-05-27. Review status: criteria provided, single submitter. Criteria: Invitae Variant Classification Sherloc (09022015). Collection method: clinical testing. Allele origin: germline.
Comment: The frequency data for this variant in the population databases is considered unreliable, as metrics indicate insufficient coverage at this position in the ExAC database. In summary, the available evidence is currently insufficient to determine the role of this variant in disease. Therefore, it has been classified as a Variant of Uncertain Significance. Algorithms developed to predict the effect of missense changes on protein structure and function are either unavailable or do not agree on the potential impact of this missense change (SIFT: "Tolerated"; PolyPhen-2: "Possibly Damaging"; Align-GVGD: "Class C0"). This variant has not been reported in the literature in individuals with TMC8-related conditions. This sequence change replaces glycine with arginine at codon 87 of the TMC8 protein (p.Gly87Arg). The glycine residue is moderately conserved and there is a moderate physicochemical difference between glycine and arginine.